The following is an entry in ClinVar:

ClinVar aggregate classification (germline): Uncertain significance (1 of 4 stars; one submission).

Submission:

Labcorp Genetics (formerly Invitae), Labcorp
Classification: Uncertain significance. Last evaluated: 2022-09-27. Review status: criteria provided, single submitter. Criteria: Invitae Variant Classification Sherloc (09022015). Collection method: clinical testing. Allele origin: germline.
Comment: This sequence change replaces serine, which is neutral and polar, with glycine, which is neutral and non-polar, at codon 634 of the SIRT1 protein (p.Ser634Gly). In summary, the available evidence is currently insufficient to determine the role of this variant in disease. Therefore, it has been classified as a Variant of Uncertain Significance. Algorithms developed to predict the effect of sequence changes on RNA splicing suggest that this variant may create or strengthen a splice site. Algorithms developed to predict the effect of missense changes on protein structure and function are either unavailable or do not agree on the potential impact of this missense change (SIFT: "Deleterious"; PolyPhen-2: "Benign"; Align-GVGD: "Class C0"). This variant has not been reported in the literature in individuals affected with SIRT1-related conditions. This variant is not present in population databases (gnomAD no frequency).

NM_012238.5(SIRT1):c.1900A>G (p.Ser634Gly)

Gene: SIRT1 (sirtuin 1; plus strand). Cytogenetic location: 10q21.3.
Variant type: single nucleotide variant.
Coding change: c.1900A>G on transcript NM_012238.5 (MANE Select); coding-DNA position 1900, A replaced by G.
Protein change: p.Ser634Gly; replaces serine 634 with glycine.
Molecular consequence: missense variant.
Genome position (GRCh38, 1-based): chr10:67,913,016, A>G. VCF-style: chr10-67913016-A-G. GRCh37 (hg19) VCF-style: chr10-69672773-A-G.
Other names: c.1015A>G, p.Ser339Gly (NM_001142498.2); c.991A>G, p.Ser331Gly (NM_001314049.2); short protein forms S634G, S331G, S339G.
Identifiers: ClinVar variation 2030842 (VCV002030842.4), dbSNP rs2492965440, ClinGen allele CA377049907.
Genomic context (GRCh38, chr10:67,913,016, plus strand): 5'-ACTTCAGTGGCTGGAACAGTGAGAAAATGCTGGCCTAATAGAGTGGCAAAGGAGCAGATT[A>G]GTAGGCGGCTTGATGGTAAGAAAGGCAGTCGGACCATTTTGAAAGTATAAATGTCATAAC-3'
Protein context (NP_036370.2, residues 624-644): WPNRVAKEQI[Ser634Gly]RRLDGNQYLF